The following is an entry in ClinVar:

NM_001366900.1(TTC21A):c.2741C>G (p.Thr914Ser)

Gene: TTC21A (tetratricopeptide repeat domain 21A; plus strand). Cytogenetic location: 3p22.2.
Variant type: single nucleotide variant.
Coding change: c.2741C>G on transcript NM_001366900.1 (MANE Select); coding-DNA position 2741, C replaced by G.
Protein change: p.Thr914Ser; replaces threonine 914 with serine.
Molecular consequence: missense variant. On other transcripts: non-coding transcript variant (3).
Genome position (GRCh38, 1-based): chr3:39,133,230, C>G. VCF-style: chr3-39133230-C-G. GRCh37 (hg19) VCF-style: chr3-39174721-C-G.
Other names: NC_000003.11:g.39174721C>G; c.2618C>G, p.Thr873Ser (NM_001105513.3); c.2765C>G, p.Thr922Ser (NM_001366899.1); c.2762C>G, p.Thr921Ser (NM_145755.3); short protein forms T873S, T914S, T921S, T922S.
Identifiers: ClinVar variation 3050474 (VCV003050474.3), dbSNP rs77348972, ClinGen allele CA2324773.

ClinVar aggregate classification (germline): Benign (0 of 4 stars; one submission).

Conditions:
TTC21A-related disorder. Also called: TTC21A-related condition.

Allele frequency attached by ClinVar (database versions not stated): gnomAD exomes 0.00048; 1000 Genomes Project 0.00459; ESP Exome Variant Server 0.00056; TOPMed 0.00128; ExAC 0.00222; 1000 Genomes Project 30x 0.00453; gnomAD 0.00129.

Submissions (5):

PreventionGenetics, part of Exact Sciences
Classification: Benign for TTC21A-related condition. Last evaluated: 2019-11-27. Review status: no assertion criteria provided. Collection method: clinical testing. Allele origin: germline.
Comment: This variant is classified as benign based on ACMG/AMP sequence variant interpretation guidelines (Richards et al. 2015 PMID: 25741868, with internal and published modifications).

Dr. Peter K. Rogan Lab, Western University
No classification provided (evidence only). Condition: Malignant tumor of urinary bladder. Review status: no classification provided. Collection method: in vitro. Allele origin: not applicable. Functional consequence: retained intron. Not counted in ClinVar's aggregate classification.

Dr. Peter K. Rogan Lab, Western University
No classification provided (evidence only). Condition: Thyroid cancer, nonmedullary, 1. Review status: no classification provided. Collection method: in vitro. Allele origin: not applicable. Functional consequence: retained intron. Not counted in ClinVar's aggregate classification.

Dr. Peter K. Rogan Lab, Western University
No classification provided (evidence only). Condition: Sarcoma. Review status: no classification provided. Collection method: in vitro. Allele origin: not applicable. Functional consequence: retained intron. Not counted in ClinVar's aggregate classification.

Dr. Peter K. Rogan Lab, Western University
No classification provided (evidence only). Condition: Malignant lymphoma, large B-cell, diffuse. Review status: no classification provided. Collection method: in vitro. Allele origin: not applicable. Functional consequence: retained intron. Not counted in ClinVar's aggregate classification.